The following is an entry in ClinVar:

ClinVar aggregate classification (germline): Uncertain significance (1 of 4 stars; one submission).

Conditions:
Polyglandular autoimmune syndrome, type 1 (APS1). Also called: AUTOIMMUNE POLYENDOCRINE SYNDROME, TYPE I, WITH OR WITHOUT REVERSIBLE METAPHYSEAL DYSPLASIA; Whitaker syndrome; Autoimmune polyendocrinopathy syndrome, type I; PGA I; Autoimmune polyendocrine syndrome type 1; HYPOADRENOCORTICISM WITH HYPOPARATHYROIDISM AND SUPERFICIAL MONILIASIS. Identifiers: Orphanet 3453, MedGen C0085859, MONDO:0009411, OMIM 240300.

Submission:

Labcorp Genetics (formerly Invitae), Labcorp
Classification: Uncertain significance for Polyglandular autoimmune syndrome, type 1. Last evaluated: 2024-03-02. Review status: criteria provided, single submitter. Criteria: Invitae Variant Classification Sherloc (09022015). Collection method: clinical testing. Allele origin: germline.
Comment: This sequence change replaces glycine, which is neutral and non-polar, with aspartic acid, which is acidic and polar, at codon 227 of the AIRE protein (p.Gly227Asp). Information on the frequency of this variant in the gnomAD database is not available, as this variant may be reported differently in the database. This variant has not been reported in the literature in individuals affected with AIRE-related conditions. ClinVar contains an entry for this variant (Variation ID: 1384493). An algorithm developed to predict the effect of missense changes on protein structure and function (PolyPhen-2) suggests that this variant is likely to be disruptive. In summary, the available evidence is currently insufficient to determine the role of this variant in disease. Therefore, it has been classified as a Variant of Uncertain Significance.

NM_000383.4(AIRE):c.680_681delinsAT (p.Gly227Asp)

Gene: AIRE (autoimmune regulator; plus strand). Cytogenetic location: 21q22.3.
Variant type: Indel.
Coding change: c.680_681delinsAT on transcript NM_000383.4 (MANE Select); coding-DNA positions 680 to 681, GC replaced by AT.
Protein change: p.Gly227Asp; replaces glycine 227 with aspartic acid.
Molecular consequence: missense variant.
Genome position (GRCh38, 1-based): chr21:44,289,684-44,289,685, GC replaced by AT. VCF-style: chr21-44289684-GC-AT. GRCh37 (hg19) VCF-style: chr21-45709567-GC-AT.
Other names: short protein forms G227D.
Identifiers: ClinVar variation 1384493 (VCV001384493.5), dbSNP rs2146379169, ClinGen allele CA2573157691.
Genomic context (GRCh38, chr21:44,289,684, plus strand): 5'-GGTGAGCCAGGACCAGCCGGCATCTCCTCCCAGGCGGCTCCAAGAAGTGCATCCAGGTTG[GC>AT]GGGGAGTTCTACACTCCCAGCAAGTTCGAAGACTCCGGCAGTGGGAAGAACAAGGCCCGC-3'
Protein context (NP_000374.1, residues 217-237): SGGSKKCIQV[Gly227Asp]GEFYTPSKFE